The following is an entry in ClinVar:

NM_001854.4(COL11A1):c.1999G>A (p.Gly667Ser)

Gene: COL11A1 (collagen type XI alpha 1 chain; minus strand). Cytogenetic location: 1p21.1.
Variant type: single nucleotide variant.
Coding change: c.1999G>A on transcript NM_001854.4 (MANE Select); coding-DNA position 1999, G replaced by A.
Protein change: p.Gly667Ser; replaces glycine 667 with serine.
Molecular consequence: missense variant. On other transcripts: non-coding transcript variant (1).
Genome position (GRCh38, 1-based): chr1:103,002,791, C>T on the plus strand (G>A on the coding strand, the complement: COL11A1 is on the minus strand). VCF-style: chr1-103002791-C-T. GRCh37 (hg19) VCF-style: chr1-103468347-C-T.
Other names: c.1882G>A, p.Gly628Ser (NM_001190709.2); c.2035G>A, p.Gly679Ser (NM_080629.3); c.1651G>A, p.Gly551Ser (NM_080630.4); c.1999G>A (NM_001854.3); short protein forms G628S, G551S, G667S, G679S.
Identifiers: ClinVar variation 1345273 (VCV001345273.11), dbSNP rs760878512, ClinGen allele CA974696.

ClinVar aggregate classification (germline): Uncertain significance. Review status: criteria provided, multiple submitters, no conflicts (2 of 4 stars). 3 submissions from 3 submitters: Uncertain significance (3). Last evaluated 2026-10-20.

Conditions:
Stickler syndrome type 2 (STL2). Also called: STICKLER SYNDROME, TYPE II; COL11A1-Related Stickler Syndrome; STICKLER SYNDROME, BEADED VITREOUS TYPE; STICKLER SYNDROME, VITREOUS TYPE 2. Identifiers: Orphanet 828, Orphanet 90654, MedGen C1858084, MONDO:0011493, OMIM 604841.

Allele frequency attached by ClinVar (database versions not stated): ExAC 0.00002; gnomAD exomes 0.00001.
gnomAD v4.1: 7 of 1,612,878 alleles (0.00043%); highest among the groups gnomAD compares: South Asian, 0.0044%; no homozygotes.

Submissions (3):

GeneDx
Classification: Uncertain significance. Last evaluated: 2026-10-20. Review status: criteria provided, single submitter. Criteria: GeneDx Variant Classification Process June 2021. Collection method: clinical testing. Allele origin: germline.
Comment: Not observed at significant frequency in large population cohorts (gnomAD); In silico analysis supports that this missense variant has a deleterious effect on protein structure/function; Has not been previously published as pathogenic or benign to our knowledge; This variant is associated with the following publications: (PMID: 25240749)

Genomic Medicine Center of Excellence, King Faisal Specialist Hospital and Research Centre
Classification: Uncertain significance for Stickler syndrome type 2. Last evaluated: 2024-12-18. Review status: criteria provided, single submitter. Criteria: ACMG Guidelines, 2015. Collection method: clinical testing. Allele origin: germline.

Labcorp Genetics (formerly Invitae), Labcorp
Classification: Uncertain significance. Last evaluated: 2021-04-14. Review status: criteria provided, single submitter. Criteria: Invitae Variant Classification Sherloc (09022015). Collection method: clinical testing. Allele origin: germline.
Comment: This variant has not been reported in the literature in individuals with COL11A1-related conditions. In summary, the available evidence is currently insufficient to determine the role of this variant in disease. Therefore, it has been classified as a Variant of Uncertain Significance. Algorithms developed to predict the effect of missense changes on protein structure and function are either unavailable or do not agree on the potential impact of this missense change (SIFT: "Deleterious"; PolyPhen-2: "Not Available"; Align-GVGD: "Class C55"). This variant is present in population databases (rs760878512, ExAC 0.01%). This sequence change replaces glycine with serine at codon 667 of the COL11A1 protein (p.Gly667Ser). The glycine residue is highly conserved and there is a small physicochemical difference between glycine and serine.